The following continues an entry in ClinVar:

NM_000059.4(BRCA2):c.5869A>G (p.Ile1957Val)

Gene: BRCA2. ClinVar aggregate classification (germline): Conflicting classifications of pathogenicity. Uncertain significance (6); Likely benign (6).

Submissions 11 to 15 of 15:

CeGaT Center for Human Genetics Tuebingen
Classification: Uncertain significance. Last evaluated: 2017-04-01. Review status: criteria provided, single submitter. Criteria: CeGaT Center For Human Genetics Tuebingen Variant Classification Criteria Version 2. Collection method: clinical testing. Allele origin: germline. Affected: yes. Observed: 1 variant allele.

Color Diagnostics, LLC DBA Color Health
Classification: Likely benign for Hereditary cancer-predisposing syndrome. Last evaluated: 2016-10-11. Review status: criteria provided, single submitter. Criteria: ACMG Guidelines, 2015. Collection method: clinical testing. Allele origin: germline.

Counsyl
Classification: Uncertain significance for Breast-ovarian cancer, familial, susceptibility to, 2. Last evaluated: 2015-11-21. Review status: no assertion criteria provided. Collection method: clinical testing. Allele origin: unknown. Not counted in ClinVar's aggregate classification.

Breast Cancer Information Core (BIC) (BRCA2)
Classification: Uncertain significance for Breast-ovarian cancer, familial 2. Last evaluated: 2003-12-23. Review status: no assertion criteria provided. Collection method: clinical testing. Allele origin: germline. Affected: yes. Observed: 1 variant allele. Not counted in ClinVar's aggregate classification.

Department of Pathology and Laboratory Medicine, Sinai Health System
Classification: Uncertain significance. Review status: no assertion criteria provided. Collection method: clinical testing. Allele origin: unknown. Affected: yes. Study: The Canadian Open Genetics Repository (COGR). Not counted in ClinVar's aggregate classification.
Comment: The BRCA2 p.Ile1957Val variant was identified in the literature in hereditary breast and ovarian cancer patients, however the frequency of this variant in an affected population was not provided (Schenkel_2016_PMID:27376475; Hondow_2011_PMID:21702907). The variant was identified in dbSNP (ID: rs80358817), ClinVar (classified as likely benign 2x and uncertain significance 7x; associated condition is hereditary breast and ovarian cancer syndrome), and Cosmic (confirmed somatically in a breast carcinoma tissue with a FATHMM prediction score of 0.10, neutral). The variant was identified in control databases in 5 of 282390 chromosomes at a frequency of 0.000018 (Genome Aggregation Database Feb 27, 2017). The variant was observed in the European (non-Finnish) population in 5 of 128968 chromosomes (freq: 0.000039), but was not observed in the African, Latino, Ashkenazi Jewish, East Asian, European (Finnish), Other or South Asian populations. The p.Ile1957 residue is not conserved in mammals and computational analyses (PolyPhen-2, SIFT, AlignGVGD, BLOSUM, MutationTaster) do not suggest a high likelihood of impact to the protein; however, this information is not predictive enough to rule out pathogenicity. The variant occurs outside of the splicing consensus sequence; however three of four in silico or computational prediction software programs (SpliceSiteFinder, MaxEntScan, NNSPLICE, GeneSplicer) predict the creation of a new 5â€šÃ„Ã´ splice site near the site of variation. In summary, based on the above information the clinical significance of this variant cannot be determined with certainty at this time. This variant is classified as a variant of uncertain significance.

Literature cited by the submitters: PubMed 21702907 (cited by 4 submitters); PubMed 27376475 (cited by 4 submitters); PubMed 34326862 (cited by 3 submitters); PubMed 20167696 (cited by 3 submitters); PubMed 33471991 (cited by Women's Health and Genetics/Laboratory Corporation of America, LabCorp and Ambry Genetics); PubMed 39402389 (cited by Women's Health and Genetics/Laboratory Corporation of America, LabCorp); PubMed 31911673 (cited by Quest Diagnostics Nichols Institute San Juan Capistrano).